The following is an entry in ClinVar:

NM_014639.4(SKIC3):c.1796A>G (p.Asn599Ser)

Gene: SKIC3 (SKI3 subunit of superkiller complex; minus strand). Cytogenetic location: 5q15.
Variant type: single nucleotide variant.
Coding change: c.1796A>G on transcript NM_014639.4 (MANE Select); coding-DNA position 1796, A replaced by G.
Protein change: p.Asn599Ser; replaces asparagine 599 with serine.
Molecular consequence: missense variant.
Genome position (GRCh38, 1-based): chr5:95,522,269, T>C on the plus strand (A>G on the coding strand, the complement: SKIC3 is on the minus strand). VCF-style: chr5-95522269-T-C. GRCh37 (hg19) VCF-style: chr5-94857973-T-C.
Other names: short protein forms N599S.
Identifiers: ClinVar variation 1917017 (VCV001917017.5), dbSNP rs762812916, ClinGen allele CA3347232.

ClinVar aggregate classification (germline): Uncertain significance. Review status: criteria provided, multiple submitters, no conflicts (2 of 4 stars). 2 submissions from 2 submitters: Uncertain significance (2). Last evaluated 2025-05-05.

Conditions:
Inborn genetic diseases. Identifiers: MedGen C0950123, MeSH D030342.

Allele frequency attached by ClinVar (database versions not stated): gnomAD exomes 0.00001; ExAC 0.00001.
gnomAD v4.1: 15 of 1,613,586 alleles (0.00093%); highest among the groups gnomAD compares: South Asian, 0.0044%; no homozygotes.

Submissions (2):

Ambry Genetics
Classification: Uncertain significance for Inborn genetic diseases. Last evaluated: 2025-05-05. Review status: criteria provided, single submitter. Criteria: Ambry Variant Classification Scheme 2023. Collection method: clinical testing. Allele origin: germline.

Labcorp Genetics (formerly Invitae), Labcorp
Classification: Uncertain significance. Last evaluated: 2022-03-13. Review status: criteria provided, single submitter. Criteria: Invitae Variant Classification Sherloc (09022015). Collection method: clinical testing. Allele origin: germline.
Comment: This sequence change replaces asparagine, which is neutral and polar, with serine, which is neutral and polar, at codon 599 of the TTC37 protein (p.Asn599Ser). This variant is present in population databases (rs762812916, gnomAD 0.003%). This variant has not been reported in the literature in individuals affected with TTC37-related conditions. Algorithms developed to predict the effect of missense changes on protein structure and function are either unavailable or do not agree on the potential impact of this missense change (SIFT: "Tolerated"; PolyPhen-2: "Probably Damaging"; Align-GVGD: "Class C0"). In summary, the available evidence is currently insufficient to determine the role of this variant in disease. Therefore, it has been classified as a Variant of Uncertain Significance.